The following is an entry in ClinVar:

ClinVar aggregate classification (germline): Uncertain significance (1 of 4 stars; one submission).

Allele frequency attached by ClinVar (database versions not stated): gnomAD exomes below 0.00001.

Submission:

Labcorp Genetics (formerly Invitae), Labcorp
Classification: Uncertain significance. Last evaluated: 2024-11-11. Review status: criteria provided, single submitter. Criteria: Invitae Variant Classification Sherloc (09022015). Collection method: clinical testing. Allele origin: germline.
Comment: This sequence change replaces aspartic acid, which is acidic and polar, with glycine, which is neutral and non-polar, at codon 247 of the ZNF687 protein (p.Asp247Gly). This variant is not present in population databases (gnomAD no frequency). This variant has not been reported in the literature in individuals affected with ZNF687-related conditions. ClinVar contains an entry for this variant (Variation ID: 2756178). An algorithm developed to predict the effect of missense changes on protein structure and function outputs the following: PolyPhen-2: "Benign". The glycine amino acid residue is found in multiple mammalian species, which suggests that this missense change does not adversely affect protein function. In summary, the available evidence is currently insufficient to determine the role of this variant in disease. Therefore, it has been classified as a Variant of Uncertain Significance.

NM_020832.3(ZNF687):c.740A>G (p.Asp247Gly)

Gene: ZNF687 (zinc finger protein 687; plus strand). Cytogenetic location: 1q21.3.
Variant type: single nucleotide variant.
Coding change: c.740A>G on transcript NM_020832.3 (MANE Select); coding-DNA position 740, A replaced by G.
Protein change: p.Asp247Gly; replaces aspartic acid 247 with glycine.
Molecular consequence: missense variant.
Genome position (GRCh38, 1-based): chr1:151,287,031, A>G. VCF-style: chr1-151287031-A-G. GRCh37 (hg19) VCF-style: chr1-151259507-A-G.
Other names: c.740A>G, p.Asp247Gly (NM_001304763.2, NM_001304764.2); short protein forms D247G.
Identifiers: ClinVar variation 2756178 (VCV002756178.3), dbSNP rs2528496455, ClinGen allele CA341931887.